The following is an entry in ClinVar:

NM_000218.3(KCNQ1):c.1394-33375T>C

Genes: KCNQ1 (potassium voltage-gated channel subfamily Q member 1; plus strand), KCNQ1OT1 (KCNQ1 opposite strand/antisense transcript 1; minus strand). Cytogenetic location: 11p15.5.
Variant type: single nucleotide variant.
Coding change: c.1394-33375T>C on transcript NM_000218.3 (MANE Select); 33375 bases into the intron before coding-DNA position 1394, T replaced by C.
Molecular consequence: intron variant. On other transcripts: non-coding transcript variant (1).
Genome position (GRCh38, 1-based): chr11:2,628,586, T>C. VCF-style: chr11-2628586-T-C. GRCh37 (hg19) VCF-style: chr11-2649816-T-C.
Other names: c.1013-33375T>C (NM_181798.2); c.1124-33375T>C (NM_001406837.1); c.1298-33375T>C (NM_001406836.1); c.854-33375T>C (NM_001406838.1).
Identifiers: ClinVar variation 2641398 (VCV002641398.24), dbSNP rs192428260, ClinGen allele CA216143098.

ClinVar aggregate classification (germline): Likely benign (1 of 4 stars; one submission).

Allele frequency attached by ClinVar (database versions not stated): gnomAD 0.00039; TOPMed 0.00047; gnomAD exomes 0.00114; 1000 Genomes Project 0.00180; 1000 Genomes Project 30x 0.00250.
gnomAD v4.1: 322 of 398,482 alleles (0.081%); highest among the groups gnomAD compares: East Asian, 1.1%; 2 homozygotes.

Submission:

CeGaT Center for Human Genetics Tuebingen
Classification: Likely benign. Last evaluated: 2024-09-01. Review status: criteria provided, single submitter. Criteria: CeGaT Center For Human Genetics Tuebingen Variant Classification Criteria Version 2. Collection method: clinical testing. Allele origin: germline. Affected: yes. Observed: 3 variant alleles.
Comment: KCNQ1OT1: BS1